The following is an entry in ClinVar:

NM_000321.3(RB1):c.1148A>G (p.Gln383Arg)

Gene: RB1 (RB transcriptional corepressor 1; plus strand). Cytogenetic location: 13q14.2.
Variant type: single nucleotide variant.
Coding change: c.1148A>G on transcript NM_000321.3 (MANE Select); coding-DNA position 1148, A replaced by G.
Protein change: p.Gln383Arg; replaces glutamine 383 with arginine.
Molecular consequence: missense variant.
Genome position (GRCh38, 1-based): chr13:48,373,425, A>G. VCF-style: chr13-48373425-A-G. GRCh37 (hg19) VCF-style: chr13-48947561-A-G.
Other names: short protein forms Q383R.
Identifiers: ClinVar variation 1390032 (VCV001390032.8), dbSNP rs2138131004, ClinGen allele CA388161472.

ClinVar aggregate classification (germline): Uncertain significance (1 of 4 stars; one submission).

Conditions:
Retinoblastoma (RB1). Also called: RETINOBLASTOMA, SOMATIC. Identifiers: Orphanet 790, MedGen C0035335, MeSH D012175, MONDO:0008380, OMIM 180200, HP:0009919. Disease mechanism: loss of function. Inheritance: Both sporadic and heritable forms are tested..

Submission:

Labcorp Genetics (formerly Invitae), Labcorp
Classification: Uncertain significance for Retinoblastoma. Last evaluated: 2021-05-11. Review status: criteria provided, single submitter. Criteria: Invitae Variant Classification Sherloc (09022015). Collection method: clinical testing. Allele origin: germline.
Comment: This variant is not present in population databases (ExAC no frequency). This sequence change replaces glutamine with arginine at codon 383 of the RB1 protein (p.Gln383Arg). The glutamine residue is highly conserved and there is a small physicochemical difference between glutamine and arginine. In summary, the available evidence is currently insufficient to determine the role of this variant in disease. Therefore, it has been classified as a Variant of Uncertain Significance. Algorithms developed to predict the effect of missense changes on protein structure and function are either unavailable or do not agree on the potential impact of this missense change (SIFT: "Tolerated"; PolyPhen-2: "Possibly Damaging"; Align-GVGD: "Class C0"). This variant has not been reported in the literature in individuals with RB1-related conditions.